The following is an entry in ClinVar:

NM_000135.4(FANCA):c.2518G>A (p.Ala840Thr)

Gene: FANCA (FA complementation group A; minus strand). Cytogenetic location: 16q24.3.
Variant type: single nucleotide variant.
Coding change: c.2518G>A on transcript NM_000135.4 (MANE Select); coding-DNA position 2518, G replaced by A.
Protein change: p.Ala840Thr; replaces alanine 840 with threonine.
Molecular consequence: missense variant.
Genome position (GRCh38, 1-based): chr16:89,767,224, C>T on the plus strand (G>A on the coding strand, the complement: FANCA is on the minus strand). VCF-style: chr16-89767224-C-T. GRCh37 (hg19) VCF-style: chr16-89833632-C-T.
Other names: c.2518G>A, p.Ala840Thr (NM_001286167.3); short protein forms A840T.
Identifiers: ClinVar variation 4254352 (VCV004254352.1).
Genomic context (GRCh38, chr16:89,767,224, plus strand): 5'-AGCAGCTGCACAAAGTATCTCGTGACTGGGAAGAAAACTTGCAGAGAGAGTAAGAAATTG[C>T]TGCTGTACAAAATCTGAAAACAGAAATTATAACATATAAATGTAATCCATACAAAATAAG-3'
Protein context (NP_000126.2, residues 830-850): LFFCLKFCTA[Ala840Thr]ISYSLCKFSS

ClinVar aggregate classification (germline): Uncertain significance (1 of 4 stars; one submission).

Conditions:
Inborn genetic diseases. Identifiers: MedGen C0950123, MeSH D030342.

Submission:

Ambry Genetics
Classification: Uncertain significance for Inborn genetic diseases. Last evaluated: 2025-09-11. Review status: criteria provided, single submitter. Criteria: Ambry Variant Classification Scheme 2023. Collection method: clinical testing. Allele origin: germline.
Comment: The p.A840T variant (also known as c.2518G>A), located in coding exon 27 of the FANCA gene, results from a G to A substitution at nucleotide position 2518. The alanine at codon 840 is replaced by threonine, an amino acid with similar properties. This amino acid position is conserved. In addition, the in silico prediction for this alteration is inconclusive. Based on the available evidence, the clinical significance of this variant remains unclear.